The following is an entry in ClinVar:

NM_002775.5(HTRA1):c.338C>T (p.Ala113Val)

Gene: HTRA1 (HtrA serine peptidase 1; plus strand). Cytogenetic location: 10q26.13.
Variant type: single nucleotide variant.
Coding change: c.338C>T on transcript NM_002775.5 (MANE Select); coding-DNA position 338, C replaced by T.
Protein change: p.Ala113Val; replaces alanine 113 with valine.
Molecular consequence: missense variant.
Genome position (GRCh38, 1-based): chr10:122,461,990, C>T. VCF-style: chr10-122461990-C-T. GRCh37 (hg19) VCF-style: chr10-124221506-C-T.
Other names: short protein forms A113V.
Identifiers: ClinVar variation 2640906 (VCV002640906.24), dbSNP rs1379232919, ClinGen allele CA378606203.
Genomic context (GRCh38, chr10:122,461,990, plus strand): 5'-TCGGGGTGCCAGCCTCGGCCACGGTGCGGCGGCGCGCGCAGGCCGGCCTCTGTGTGTGCG[C>T]CAGCAGCGAGCCGGTGTGCGGCAGCGACGCCAACACCTACGCCAACCTGTGCCAGCTGCG-3'
Protein context (NP_002766.1, residues 103-123): RRAQAGLCVC[Ala113Val]SSEPVCGSDA

ClinVar aggregate classification (germline): Uncertain significance (1 of 4 stars; one submission).

Submission:

CeGaT Center for Human Genetics Tuebingen
Classification: Uncertain significance. Last evaluated: 2023-09-01. Review status: criteria provided, single submitter. Criteria: CeGaT Center For Human Genetics Tuebingen Variant Classification Criteria Version 2. Collection method: clinical testing. Allele origin: germline. Affected: yes. Observed: 1 variant allele.
Comment: HTRA1: PM2